The following is an entry in ClinVar:

NM_203447.4(DOCK8):c.2778+5G>A

Gene: DOCK8 (dedicator of cytokinesis 8; plus strand). Cytogenetic location: 9p24.3.
Variant type: single nucleotide variant.
Coding change: c.2778+5G>A on transcript NM_203447.4 (MANE Select); 5 bases into the intron after coding-DNA position 2778, G replaced by A.
Molecular consequence: intron variant.
Genome position (GRCh38, 1-based): chr9:382,690, G>A. VCF-style: chr9-382690-G-A. GRCh37 (hg19) VCF-style: chr9-382690-G-A.
Other names: c.2574+5G>A (NM_001193536.2, NM_001190458.2).
Identifiers: ClinVar variation 1473308 (VCV001473308.6), dbSNP rs2131299054, ClinGen allele CA2573144461.

ClinVar aggregate classification (germline): Uncertain significance (1 of 4 stars; one submission).

Conditions:
Combined immunodeficiency due to DOCK8 deficiency (HIES2). Also called: Hyper-IgE recurrent infection syndrome, autosomal recessive; HYPER-IgE RECURRENT INFECTION SYNDROME 2, AUTOSOMAL RECESSIVE; HIES autosomal recessive; HYPER-IgE SYNDROME 2, AUTOSOMAL RECESSIVE, WITH RECURRENT INFECTIONS; DOCK8 Deficiency. Identifiers: Orphanet 217390, MedGen C4722305, MONDO:0009478, OMIM 243700.

gnomAD v4.1: 1 of 1,614,108 alleles (0.000062%); highest among the groups gnomAD compares: Non-Finnish European, 0.000085%; no homozygotes.

Submission:

Labcorp Genetics (formerly Invitae), Labcorp
Classification: Uncertain significance for Combined immunodeficiency due to DOCK8 deficiency. Last evaluated: 2024-02-11. Review status: criteria provided, single submitter. Criteria: Invitae Variant Classification Sherloc (09022015). Collection method: clinical testing. Allele origin: germline.
Comment: This sequence change falls in intron 22 of the DOCK8 gene. It does not directly change the encoded amino acid sequence of the DOCK8 protein. It affects a nucleotide within the consensus splice site. This variant is not present in population databases (gnomAD no frequency). This variant has not been reported in the literature in individuals affected with DOCK8-related conditions. ClinVar contains an entry for this variant (Variation ID: 1473308). Variants that disrupt the consensus splice site are a relatively common cause of aberrant splicing (PMID: 17576681, 9536098). Algorithms developed to predict the effect of sequence changes on RNA splicing suggest that this variant is not likely to affect RNA splicing. In summary, the available evidence is currently insufficient to determine the role of this variant in disease. Therefore, it has been classified as a Variant of Uncertain Significance.

Literature cited by the submitters: PubMed 17576681; PubMed 9536098.